The following is an entry in ClinVar:

NM_032578.4(MYPN):c.3032G>A (p.Ser1011Asn)

Genes: MYPN (myopalladin; plus strand), LOC132089829 (Neanderthal introgressed variant-containing enhancer experimental_16132; plus strand). Cytogenetic location: 10q21.3.
Variant type: single nucleotide variant.
Coding change: c.3032G>A on transcript NM_032578.4 (MANE Select); coding-DNA position 3032, G replaced by A.
Protein change: p.Ser1011Asn; replaces serine 1011 with asparagine.
Molecular consequence: missense variant. On other transcripts: non-coding transcript variant (2).
Genome position (GRCh38, 1-based): chr10:68,194,469, G>A. VCF-style: chr10-68194469-G-A. GRCh37 (hg19) VCF-style: chr10-69954226-G-A.
Other names: c.3032G>A, p.Ser1011Asn (NM_001256267.2); c.2150G>A, p.Ser717Asn (NM_001256268.2); short protein forms S717N, S1011N.
Identifiers: ClinVar variation 2057437 (VCV002057437.2), dbSNP rs1273922681, ClinGen allele CA376856146.
Genomic context (GRCh38, chr10:68,194,469, plus strand): 5'-ACTGCAAAATGAGGCGAGAAGGAGATGGGACATGCTCTCTGCACATTGAATCCACTACCA[G>A]TGATGACGATGGCAACTACACCATCATGGCAGCCAACCCCCAGGTGGAGACGCAGGGTTC-3'
Protein context (NP_115967.2, residues 1001-1021): TCSLHIESTT[Ser1011Asn]DDDGNYTIMA

ClinVar aggregate classification (germline): Uncertain significance (1 of 4 stars; one submission).

Conditions:
Dilated cardiomyopathy 1KK (CMD1KK). Identifiers: Orphanet 154, Orphanet 75249, MedGen C3714995, MONDO:0014100, OMIM 615248.

Allele frequency attached by ClinVar (database versions not stated): gnomAD exomes below 0.00001.
gnomAD v4.1: 1 of 1,613,906 alleles (0.000062%); highest among the groups gnomAD compares: Admixed American, 0.0017%; no homozygotes.

Submission:

Labcorp Genetics (formerly Invitae), Labcorp
Classification: Uncertain significance for Dilated cardiomyopathy 1KK. Last evaluated: 2022-04-10. Review status: criteria provided, single submitter. Criteria: Invitae Variant Classification Sherloc (09022015). Collection method: clinical testing. Allele origin: germline.
Comment: Algorithms developed to predict the effect of missense changes on protein structure and function output the following: SIFT: "Tolerated"; PolyPhen-2: "Benign"; Align-GVGD: "Class C0". The asparagine amino acid residue is found in multiple mammalian species, which suggests that this missense change does not adversely affect protein function. In summary, the available evidence is currently insufficient to determine the role of this variant in disease. Therefore, it has been classified as a Variant of Uncertain Significance. This variant has not been reported in the literature in individuals affected with MYPN-related conditions. This variant is present in population databases (no rsID available, gnomAD 0.003%). This sequence change replaces serine, which is neutral and polar, with asparagine, which is neutral and polar, at codon 1011 of the MYPN protein (p.Ser1011Asn).